The following is an entry in ClinVar:

ClinVar aggregate classification (germline): Likely pathogenic (1 of 4 stars; one submission).

Conditions:
Osteogenesis imperfecta type I (OI1). Also called: OI, TYPE I; OSTEOGENESIS IMPERFECTA TARDA; OSTEOGENESIS IMPERFECTA WITH BLUE SCLERAE; Osteogenesis imperfecta type 1; Lobstein disease; Classic Non-deforming Osteogenesis Imperfecta with Blue Sclerae. Identifiers: Orphanet 216796, Orphanet 666, MedGen C0023931, MONDO:0008146, OMIM 166200. Disease mechanism: loss of function.

Submission:

Labcorp Genetics (formerly Invitae), Labcorp
Classification: Likely pathogenic for Osteogenesis imperfecta type I. Last evaluated: 2023-07-10. Review status: criteria provided, single submitter. Criteria: Invitae Variant Classification Sherloc (09022015). Collection method: clinical testing. Allele origin: germline.
Comment: In summary, the currently available evidence indicates that the variant is pathogenic, but additional data are needed to prove that conclusively. Therefore, this variant has been classified as Likely Pathogenic. Variants that disrupt the consensus splice site are a relatively common cause of aberrant splicing (PMID: 17576681, 9536098). Algorithms developed to predict the effect of sequence changes on RNA splicing suggest that this variant may create or strengthen a splice site. ClinVar contains an entry for this variant (Variation ID: 1392932). This variant has been observed in individual(s) with osteogenesis imperfecta (Invitae). It has also been observed to segregate with disease in related individuals. This variant is not present in population databases (gnomAD no frequency). This sequence change falls in intron 2 of the COL1A1 gene. It does not directly change the encoded amino acid sequence of the COL1A1 protein. It affects a nucleotide within the consensus splice site.

Literature cited by the submitters: PubMed 17576681; PubMed 9536098.

NM_000088.4(COL1A1):c.295_298+4dup

Gene: COL1A1 (collagen type I alpha 1 chain; minus strand). Cytogenetic location: 17q21.33.
Variant type: Duplication.
Coding change: c.295_298+4dup on transcript NM_000088.4 (MANE Select); coding-DNA position 295 through 4 bases into the intron after coding-DNA position 298, 8 bases duplicated (TCAGGTGC; older notation c.295_298+4dupTCAGGTGC).
Molecular consequence: splice donor variant.
Genome position (GRCh38, 1-based): chr17:50,199,749-50,199,756, GCACCTGA duplicated on the plus strand (TCAGGTGC on the coding strand, the reverse complement: COL1A1 is on the minus strand); duplicating any 8 consecutive bases within chr17:50,199,749-50,199,758 gives the same sequence; the c. name uses the placement nearest the transcript's 3' end. VCF-style (leftmost placement, unchanged base first): chr17-50199748-C-CGCACCTGA. GRCh37 (hg19) VCF-style: chr17-48277109-C-CGCACCTGA.
Identifiers: ClinVar variation 1392932 (VCV001392932.6), dbSNP rs2144593648, ClinGen allele CA2573154243.